The following is an entry in ClinVar:

ClinVar aggregate classification (germline): Benign/Likely benign. Review status: criteria provided, multiple submitters, no conflicts (2 of 4 stars). 9 submissions from 9 submitters: Benign (6); Likely benign (1). 2 of the submissions do not count toward it. Last evaluated 2026-02-04.

Conditions:
Cardiomyopathy (CMYO). Also called: Cardiomyopathies. Identifiers: Orphanet 167848, MedGen C0878544, MONDO:0004994, HP:0001638. Inheritance: Various modes of inheritance.
Left ventricular noncompaction 1 (LVNC1). Also called: LEFT VENTRICULAR NONCOMPACTION 1 WITH OR WITHOUT CONGENITAL HEART DEFECTS. Identifiers: Orphanet 54260, MedGen C1858725, MONDO:0011403, OMIM 604169.

Allele frequency attached by ClinVar (database versions not stated): 1000 Genomes Project 30x 0.00578; gnomAD 0.00801 and 0.00820; 1000 Genomes Project 0.00559; TOPMed 0.00629; ESP Exome Variant Server 0.00715.
gnomAD v4.1: 14,854 of 1,613,800 alleles (0.92%); highest among the groups gnomAD compares: Non-Finnish European, 1%; 84 homozygotes.

Submissions (9):

Labcorp Genetics (formerly Invitae), Labcorp
Classification: Benign for Left ventricular noncompaction 1. Last evaluated: 2026-02-04. Review status: criteria provided, single submitter. Criteria: Invitae Variant Classification Sherloc (09022015). Collection method: clinical testing. Allele origin: germline.

Blueprint Genetics
Classification: Likely benign. Last evaluated: 2024-11-28. Review status: criteria provided, single submitter. Criteria: ACMG Guidelines, 2015. Collection method: clinical testing. Allele origin: germline.

ARUP Laboratories, Molecular Genetics and Genomics, ARUP Laboratories
Classification: Benign for Left ventricular noncompaction 1. Last evaluated: 2022-09-12. Review status: criteria provided, single submitter. Criteria: ARUP Molecular Germline Variant Investigation Process 2021. Collection method: clinical testing. Allele origin: germline.

Genome Diagnostics Laboratory, University Medical Center Utrecht
Classification: Benign for Left ventricular noncompaction 1. Last evaluated: 2016-08-22. Review status: criteria provided, single submitter. Criteria: ACGS Guidelines, 2013. Collection method: clinical testing. Allele origin: germline. Affected: yes. Study: VKGL Data-share Consensus.

GeneDx
Classification: Benign. Last evaluated: 2014-03-12. Review status: criteria provided, single submitter. Criteria: GeneDx Variant Classification (06012015). Collection method: clinical testing. Allele origin: germline. Affected: yes.
Comment: This variant is considered likely benign or benign based on one or more of the following criteria: it is a conservative change, it occurs at a poorly conserved position in the protein, it is predicted to be benign by multiple in silico algorithms, and/or has population frequency not consistent with disease.

Laboratory for Molecular Medicine, Mass General Brigham Personalized Medicine
Classification: Benign. Last evaluated: 2012-07-02. Review status: criteria provided, single submitter. Criteria: LMM Criteria. Collection method: clinical testing. Allele origin: germline. Observed: 25 variant alleles.

Breakthrough Genomics
Classification: Benign. Review status: criteria provided, single submitter. Criteria: ACMG Guidelines, 2015. Collection method: not provided. Allele origin: germline. Inheritance: Autosomal dominant inheritance. Affected: yes.

Women's Health and Genetics/Laboratory Corporation of America, LabCorp
Classification: Benign for Cardiomyopathy. Last evaluated: 2015-06-04. Review status: no assertion criteria provided. Collection method: clinical testing. Allele origin: germline. Not counted in ClinVar's aggregate classification.

Diagnostic Laboratory, Department of Genetics, University Medical Center Groningen
Classification: Likely benign for Left ventricular noncompaction 1. Review status: no assertion criteria provided. Collection method: clinical testing. Allele origin: germline. Affected: yes. Study: VKGL Data-share Consensus. Not counted in ClinVar's aggregate classification.

NM_001386795.1(DTNA):c.2162+14G>A

Gene: DTNA (dystrobrevin alpha; plus strand). Cytogenetic location: 18q12.1.
Variant type: single nucleotide variant.
Coding change: c.2162+14G>A on transcript NM_001386795.1 (MANE Select); 14 bases into the intron after coding-DNA position 2162, G replaced by A.
Molecular consequence: intron variant.
Genome position (GRCh38, 1-based): chr18:34,879,733, G>A. VCF-style: chr18-34879733-G-A. GRCh37 (hg19) VCF-style: chr18-32459697-G-A.
Other names: c.1910+14G>A (NM_032975.4, NM_001386761.1); c.1907+14G>A (NM_001386762.1); c.1991+14G>A (NM_001386754.1, NM_001386755.1, NM_001386757.1 and 3 more transcripts); c.1988+14G>A (NM_001386760.1); c.1901+14G>A (NM_001386763.1, NM_001386764.1, NM_001198940.2 and 5 more transcripts); c.1898+14G>A (NM_001386768.1, NM_001386769.1); c.1922+14G>A (NM_001198939.2); c.2162+14G>A (NM_001386788.1); and 5 more.
Identifiers: ClinVar variation 36028 (VCV000036028.24), dbSNP rs76713874, ClinGen allele CA138318.